The following is an entry in ClinVar:

NM_001197104.2(KMT2A):c.11260G>C (p.Glu3754Gln)

Genes: KMT2A (lysine methyltransferase 2A; plus strand), TTC36-AS1 (TTC36 and KMT2A antisense RNA 1; minus strand). Cytogenetic location: 11q23.3.
Variant type: single nucleotide variant.
Coding change: c.11260G>C on transcript NM_001197104.2 (MANE Select); coding-DNA position 11260, G replaced by C.
Protein change: p.Glu3754Gln; replaces glutamic acid 3754 with glutamine.
Molecular consequence: missense variant.
Genome position (GRCh38, 1-based): chr11:118,519,731, G>C. VCF-style: chr11-118519731-G-C. GRCh37 (hg19) VCF-style: chr11-118390446-G-C.
Other names: c.11251G>C, p.Glu3751Gln (NM_005933.4); short protein forms E3751Q, E3754Q.
Identifiers: ClinVar variation 1704849 (VCV001704849.2), dbSNP rs1555052860, ClinGen allele CA382832937.

ClinVar aggregate classification (germline): Uncertain significance (1 of 4 stars; one submission).

Submission:

GeneDx
Classification: Uncertain significance. Last evaluated: 2022-03-11. Review status: criteria provided, single submitter. Criteria: GeneDx Variant Classification Process June 2021. Collection method: clinical testing. Allele origin: germline. Affected: yes.
Comment: Not observed at significant frequency in large population cohorts (gnomAD); In silico analysis supports that this missense variant does not alter protein structure/function; Has not been previously published as pathogenic or benign to our knowledge